The following is an entry in ClinVar:

ClinVar aggregate classification (germline): Uncertain significance. Review status: criteria provided, multiple submitters, no conflicts (2 of 4 stars). 2 submissions from 2 submitters: Uncertain significance (2). Last evaluated 2024-11-28.

Conditions:
Autosomal dominant nonsyndromic hearing loss 23. Identifiers: Orphanet 90635, MedGen C1854594, MONDO:0011519, OMIM 605192.
Branchiootic syndrome 3 (BOS3). Also called: BO SYNDROME 3. Identifiers: MedGen C1842124, MONDO:0012025, OMIM 608389.

Allele frequency attached by ClinVar (database versions not stated): TOPMed below 0.00001; ExAC 0.00001; gnomAD exomes 0.00001.
gnomAD v4.1: 4 of 1,614,204 alleles (0.00025%); highest among the groups gnomAD compares: Admixed American, 0.0067%; no homozygotes.

Submissions (2):

Labcorp Genetics (formerly Invitae), Labcorp
Classification: Uncertain significance for Autosomal dominant nonsyndromic hearing loss 23; Branchiootic syndrome 3. Last evaluated: 2024-11-28. Review status: criteria provided, single submitter. Criteria: Invitae Variant Classification Sherloc (09022015). Collection method: clinical testing. Allele origin: germline.
Comment: This sequence change replaces serine, which is neutral and polar, with arginine, which is basic and polar, at codon 72 of the SIX1 protein (p.Ser72Arg). This variant is present in population databases (rs778653697, gnomAD 0.01%). This variant has not been reported in the literature in individuals affected with SIX1-related conditions. ClinVar contains an entry for this variant (Variation ID: 2579593). Invitae Evidence Modeling of protein sequence and biophysical properties (such as structural, functional, and spatial information, amino acid conservation, physicochemical variation, residue mobility, and thermodynamic stability) indicates that this missense variant is not expected to disrupt SIX1 protein function with a negative predictive value of 80%. In summary, the available evidence is currently insufficient to determine the role of this variant in disease. Therefore, it has been classified as a Variant of Uncertain Significance.

GeneDx
Classification: Uncertain significance. Last evaluated: 2023-03-08. Review status: criteria provided, single submitter. Criteria: GeneDx Variant Classification Process June 2021. Collection method: clinical testing. Allele origin: germline. Affected: yes.
Comment: In silico analysis supports that this missense variant has a deleterious effect on protein structure/function; Has not been previously published as pathogenic or benign to our knowledge

NM_005982.4(SIX1):c.216C>A (p.Ser72Arg)

Gene: SIX1 (SIX homeobox 1; minus strand). Cytogenetic location: 14q23.1.
Variant type: single nucleotide variant.
Coding change: c.216C>A on transcript NM_005982.4 (MANE Select); coding-DNA position 216, C replaced by A.
Protein change: p.Ser72Arg; replaces serine 72 with arginine.
Molecular consequence: missense variant.
Genome position (GRCh38, 1-based): chr14:60,648,974, G>T on the plus strand (C>A on the coding strand, the complement: SIX1 is on the minus strand). VCF-style: chr14-60648974-G-T. GRCh37 (hg19) VCF-style: chr14-61115692-G-T.
Other names: short protein forms S72R.
Identifiers: ClinVar variation 2579593 (VCV002579593.3), dbSNP rs778653697, ClinGen allele CA7212846.